The following is an entry in ClinVar:

ClinVar aggregate classification (germline): Likely benign (1 of 4 stars; one submission).

Submission:

CeGaT Center for Human Genetics Tuebingen
Classification: Likely benign. Last evaluated: 2025-11-01. Review status: criteria provided, single submitter. Criteria: CeGaT Center For Human Genetics Tuebingen Variant Classification Criteria Version 2. Collection method: clinical testing. Allele origin: germline. Affected: yes. Observed: 1 variant allele.
Comment: ANKRD11: PM2:Supporting, BP4, BP7

NM_013275.6(ANKRD11):c.6639G>A (p.Leu2213=)

Gene: ANKRD11 (ankyrin repeat domain 11; minus strand). Cytogenetic location: 16q24.3.
Variant type: single nucleotide variant.
Coding change: c.6639G>A on transcript NM_013275.6 (MANE Select); coding-DNA position 6639, G replaced by A.
Protein change: p.Leu2213=; no amino-acid change (leucine 2213 retained).
Molecular consequence: synonymous variant.
Genome position (GRCh38, 1-based): chr16:89,279,903, C>T on the plus strand (G>A on the coding strand, the complement: ANKRD11 is on the minus strand). VCF-style: chr16-89279903-C-T. GRCh37 (hg19) VCF-style: chr16-89346311-C-T.
Other names: c.6639G>A, p.Leu2213= (NM_001256182.2, NM_001256183.2).
Identifiers: ClinVar variation 4533949 (VCV004533949.6).